The following is an entry in ClinVar:

ClinVar aggregate classification (germline): Likely benign (1 of 4 stars; one submission).

Allele frequency attached by ClinVar (database versions not stated): 1000 Genomes Project 30x 0.00016; 1000 Genomes Project 0.00020; gnomAD 0.00060; gnomAD exomes 0.00067; ESP Exome Variant Server 0.00069; TOPMed 0.00074; ExAC 0.00082.
gnomAD v4.1: 1,070 of 1,612,786 alleles (0.066%); highest among the groups gnomAD compares: Admixed American, 0.11%; no homozygotes.

Submission:

CeGaT Center for Human Genetics Tuebingen
Classification: Likely benign. Last evaluated: 2022-09-01. Review status: criteria provided, single submitter. Criteria: CeGaT Center For Human Genetics Tuebingen Variant Classification Criteria Version 2. Collection method: clinical testing. Allele origin: germline. Affected: yes. Observed: 1 variant allele.
Comment: WWC1: BP4, BP7

NM_015238.3(WWC1):c.1221A>G (p.Arg407=)

Gene: WWC1 (WW and C2 domain containing 1; plus strand). Cytogenetic location: 5q34.
Variant type: single nucleotide variant.
Coding change: c.1221A>G on transcript NM_015238.3 (MANE Select); coding-DNA position 1221, A replaced by G.
Protein change: p.Arg407=; no amino-acid change (arginine 407 retained).
Molecular consequence: synonymous variant.
Genome position (GRCh38, 1-based): chr5:168,422,044, A>G. VCF-style: chr5-168422044-A-G. GRCh37 (hg19) VCF-style: chr5-167849049-A-G.
Other names: c.1221A>G, p.Arg407= (NM_001161661.2, NM_001161662.2).
Identifiers: ClinVar variation 2656036 (VCV002656036.24), dbSNP rs145003784, ClinGen allele CA3548712.